The following is an entry in ClinVar:

NM_018718.3(CEP41):c.226C>G (p.Leu76Val)

Gene: CEP41 (centrosomal protein 41; minus strand). Cytogenetic location: 7q32.2.
Variant type: single nucleotide variant.
Coding change: c.226C>G on transcript NM_018718.3 (MANE Select); coding-DNA position 226, C replaced by G.
Protein change: p.Leu76Val; replaces leucine 76 with valine.
Molecular consequence: missense variant. On other transcripts: non-coding transcript variant (1).
Genome position (GRCh38, 1-based): chr7:130,411,173, G>C on the plus strand (C>G on the coding strand, the complement: CEP41 is on the minus strand). VCF-style: chr7-130411173-G-C. GRCh37 (hg19) VCF-style: chr7-130051014-G-C.
Other names: c.226C>G, p.Leu76Val (NM_001257158.2); c.178C>G, p.Leu60Val (NM_001257159.2); short protein forms L76V, L60V.
Identifiers: ClinVar variation 842586 (VCV000842586.8), dbSNP rs1797171250, ClinGen allele CA369289951.

ClinVar aggregate classification (germline): Uncertain significance (1 of 4 stars; one submission).

Conditions:
Joubert syndrome 15 (JBTS15). Identifiers: Orphanet 475, MedGen C3280897, MONDO:0013763, OMIM 614464.

Allele frequency attached by ClinVar (database versions not stated): TOPMed below 0.00001.

Submission:

Labcorp Genetics (formerly Invitae), Labcorp
Classification: Uncertain significance for Joubert syndrome 15. Last evaluated: 2019-12-05. Review status: criteria provided, single submitter. Criteria: Invitae Variant Classification Sherloc (09022015). Collection method: clinical testing. Allele origin: germline.
Comment: In summary, the available evidence is currently insufficient to determine the role of this variant in disease. Therefore, it has been classified as a Variant of Uncertain Significance. Algorithms developed to predict the effect of missense changes on protein structure and function (SIFT, PolyPhen-2, Align-GVGD) all suggest that this variant is likely to be tolerated, but these predictions have not been confirmed by published functional studies and their clinical significance is uncertain. This variant has not been reported in the literature in individuals with CEP41-related conditions. This variant is not present in population databases (ExAC no frequency). This sequence change replaces leucine with valine at codon 76 of the CEP41 protein (p.Leu76Val). The leucine residue is highly conserved and there is a small physicochemical difference between leucine and valine.